The following is an entry in ClinVar:

NM_032043.3(BRIP1):c.2786T>G (p.Leu929Arg)

Gene: BRIP1 (BRCA1 interacting DNA helicase 1; minus strand). Cytogenetic location: 17q23.2.
Variant type: single nucleotide variant.
Coding change: c.2786T>G on transcript NM_032043.3 (MANE Select); coding-DNA position 2786, T replaced by G.
Protein change: p.Leu929Arg; replaces leucine 929 with arginine.
Molecular consequence: missense variant.
Genome position (GRCh38, 1-based): chr17:61,685,955, A>C on the plus strand (T>G on the coding strand, the complement: BRIP1 is on the minus strand). VCF-style: chr17-61685955-A-C. GRCh37 (hg19) VCF-style: chr17-59763316-A-C.
Other names: short protein forms L929R.
Identifiers: ClinVar variation 821810 (VCV000821810.4), dbSNP rs772087074, ClinGen allele CA8690457.

ClinVar aggregate classification (germline): Uncertain significance (1 of 4 stars; one submission).

Conditions:
Hereditary cancer-predisposing syndrome. Also called: Tumor predisposition; Hereditary Cancer Syndrome; Neoplastic Syndromes, Hereditary; Hereditary neoplastic syndrome. Identifiers: Orphanet 140162, MedGen C0027672, MeSH D009386, MONDO:0015356.

Allele frequency attached by ClinVar (database versions not stated): TOPMed below 0.00001; gnomAD exomes 0.00001; ExAC 0.00002.
gnomAD v4.1: 2 of 1,614,074 alleles (0.00012%); highest among the groups gnomAD compares: South Asian, 0.0022%; no homozygotes.

Submission:

Ambry Genetics
Classification: Uncertain significance for Hereditary cancer-predisposing syndrome. Last evaluated: 2019-11-27. Review status: criteria provided, single submitter. Criteria: Ambry Variant Classification Scheme 2023. Collection method: clinical testing. Allele origin: germline.
Comment: The p.L929R variant (also known as c.2786T>G), located in coding exon 18 of the BRIP1 gene, results from a T to G substitution at nucleotide position 2786. The leucine at codon 929 is replaced by arginine, an amino acid with dissimilar properties. This amino acid position is well conserved in available vertebrate species. In addition, the in silico prediction for this alteration is inconclusive. Since supporting evidence is limited at this time, the clinical significance of this alteration remains unclear.